The following is an entry in ClinVar:

NM_001378454.1(ALMS1):c.11731A>C (p.Thr3911Pro)

Gene: ALMS1 (ALMS1 centrosome and basal body associated protein; plus strand). Cytogenetic location: 2p13.1.
Variant type: single nucleotide variant.
Coding change: c.11731A>C on transcript NM_001378454.1 (MANE Select); coding-DNA position 11731, A replaced by C.
Protein change: p.Thr3911Pro; replaces threonine 3911 with proline.
Molecular consequence: missense variant.
Genome position (GRCh38, 1-based): chr2:73,600,740, A>C. VCF-style: chr2-73600740-A-C. GRCh37 (hg19) VCF-style: chr2-73827867-A-C.
Other names: c.11734A>C, p.Thr3912Pro (NM_015120.4); short protein forms T3911P, T3912P.
Identifiers: ClinVar variation 3358005 (VCV003358005.1).

ClinVar aggregate classification (germline): Uncertain significance (0 of 4 stars; one submission).

Conditions:
ALMS1-related disorder. Also called: ALMS1-related condition.

Submission:

PreventionGenetics, part of Exact Sciences
Classification: Uncertain significance for ALMS1-related condition. Last evaluated: 2024-03-14. Review status: no assertion criteria provided. Collection method: clinical testing. Allele origin: germline.
Comment: The ALMS1 c.11734A>C variant is predicted to result in the amino acid substitution p.Ser3912Arg. To our knowledge, this variant has not been reported in the literature. This variant is reported in 0.020% of alleles in individuals of South Asian descent in gnomAD. At this time, the clinical significance of this variant is uncertain due to the absence of conclusive functional and genetic evidence.